The following is an entry in ClinVar:

NM_000179.3(MSH6):c.3380C>T (p.Ala1127Val)

Gene: MSH6 (mutS homolog 6; plus strand). Cytogenetic location: 2p16.3.
Variant type: single nucleotide variant.
Coding change: c.3380C>T on transcript NM_000179.3 (MANE Select); coding-DNA position 3380, C replaced by T.
Protein change: p.Ala1127Val; replaces alanine 1127 with valine.
Molecular consequence: missense variant.
Genome position (GRCh38, 1-based): chr2:47,803,627, C>T. VCF-style: chr2-47803627-C-T. GRCh37 (hg19) VCF-style: chr2-48030766-C-T.
Other names: c.2990C>T, p.Ala997Val (NM_001281492.2); c.2474C>T, p.Ala825Val (NM_001281493.2, NM_001281494.2); short protein forms A1127V, A825V, A997V.
Identifiers: ClinVar variation 1171608 (VCV001171608.8), dbSNP rs1572735927, ClinGen allele CA346758821.

ClinVar aggregate classification (germline): Uncertain significance. Review status: criteria provided, multiple submitters, no conflicts (2 of 4 stars). 2 submissions from 2 submitters: Uncertain significance (2). Last evaluated 2021-08-05.

Conditions:
Hereditary nonpolyposis colorectal neoplasms. Identifiers: MedGen C0009405, MeSH D003123.
Hereditary cancer-predisposing syndrome. Also called: Tumor predisposition; Hereditary neoplastic syndrome; Hereditary Cancer Syndrome; Neoplastic Syndromes, Hereditary. Identifiers: Orphanet 140162, MedGen C0027672, MeSH D009386, MONDO:0015356.

Submissions (2):

Labcorp Genetics (formerly Invitae), Labcorp
Classification: Uncertain significance for Hereditary nonpolyposis colorectal neoplasms. Last evaluated: 2021-08-05. Review status: criteria provided, single submitter. Criteria: Invitae Variant Classification Sherloc (09022015). Collection method: clinical testing. Allele origin: germline.
Comment: This variant has not been reported in the literature in individuals affected with MSH6-related conditions. In summary, the available evidence is currently insufficient to determine the role of this variant in disease. Therefore, it has been classified as a Variant of Uncertain Significance. Advanced modeling of protein sequence and biophysical properties (such as structural, functional, and spatial information, amino acid conservation, physicochemical variation, residue mobility, and thermodynamic stability) performed at Invitae indicates that this missense variant is not expected to disrupt MSH6 protein function. ClinVar contains an entry for this variant (Variation ID: 1171608). This variant is not present in population databases (ExAC no frequency). This sequence change replaces alanine with valine at codon 1127 of the MSH6 protein (p.Ala1127Val). The alanine residue is moderately conserved and there is a small physicochemical difference between alanine and valine.

Color Diagnostics, LLC DBA Color Health
Classification: Uncertain significance for Hereditary cancer-predisposing syndrome. Last evaluated: 2020-12-01. Review status: criteria provided, single submitter. Criteria: ACMG Guidelines, 2015. Collection method: clinical testing. Allele origin: germline.
Comment: This missense variant replaces alanine with valine at codon 1127 of the MSH6 protein. Computational prediction suggests that this variant may have deleterious impact on protein structure and function (internally defined REVEL score threshold >= 0.7, PMID: 27666373). To our knowledge, functional studies have not been reported for this variant. This variant has not been reported in individuals affected with hereditary cancer in the literature. This variant has not been identified in the general population by the Genome Aggregation Database (gnomAD). The available evidence is insufficient to determine the role of this variant in disease conclusively. Therefore, this variant is classified as a Variant of Uncertain Significance.